The following is an entry in ClinVar:

NM_006158.5(NEFL):c.1027_1029del (p.Asp343del)

Gene: NEFL (neurofilament light chain; minus strand). Cytogenetic location: 8p21.2.
Variant type: Deletion.
Coding change: c.1027_1029del on transcript NM_006158.5 (MANE Select); coding-DNA positions 1027 to 1029, 3 bases deleted (GAC; older notation c.1027_1029delGAC).
Protein change: p.Asp343del; deletes aspartic acid 343.
Molecular consequence: inframe deletion.
Genome position (GRCh38, 1-based): chr8:24,955,487-24,955,489, GTC deleted on the plus strand (GAC on the coding strand, the reverse complement: NEFL is on the minus strand); deleting any 3 consecutive bases within chr8:24,955,487-24,955,490 gives the same sequence; the c. name uses the placement nearest the transcript's 3' end. VCF-style (leftmost placement, unchanged base first): chr8-24955486-TGTC-T. GRCh37 (hg19) VCF-style: chr8-24813000-TGTC-T.
Other names: short protein forms D343del.
Identifiers: ClinVar variation 930434 (VCV000930434.3), dbSNP rs1803033172, ClinGen allele CA1139660397.

ClinVar aggregate classification (germline): Uncertain significance (1 of 4 stars; one submission).

Conditions:
Charcot-Marie-Tooth disease type 1F. Also called: Charcot-Marie-Tooth disease, demyelinating, type 1f; CHARCOT-MARIE-TOOTH NEUROPATHY, TYPE 1F. Identifiers: Orphanet 101085, MedGen C1843164, MONDO:0011902, OMIM 607734.

Submission:

Centre for Mendelian Genomics, University Medical Centre Ljubljana
Classification: Uncertain significance for Charcot-Marie-Tooth disease type 1F. Last evaluated: 2019-04-03. Review status: criteria provided, single submitter. Criteria: ACMG Guidelines, 2015. Collection method: clinical testing. Allele origin: unknown. Affected: yes.
Comment: This variant was classified as: Uncertain significance. The available evidence favors the pathogenic nature of this variant, however the currently available data is insufficient to conclusively support its pathogenic nature. Thus this variant is classified as Uncertain significance - favor pathogenic. The following ACMG criteria were applied in classifying this variant: PM2.